The following is an entry in ClinVar:

ClinVar aggregate classification (germline): Uncertain significance. Review status: criteria provided, multiple submitters, no conflicts (2 of 4 stars). 4 submissions from 4 submitters: Uncertain significance (2). 2 of the submissions do not count toward it. Last evaluated 2025-12-10.

Conditions:
ACTN1-related disorder. Also called: ACTN1-related condition.
Platelet-type bleeding disorder 15 (BDPLT15). Also called: MACROTHROMBOCYTOPENIA, AUTOSOMAL DOMINANT, ACTN1-RELATED. Identifiers: Orphanet 140957, MedGen C3554663, MONDO:0014078, OMIM 615193.

Submissions (4):

Labcorp Genetics (formerly Invitae), Labcorp
Classification: Uncertain significance. Last evaluated: 2025-12-10. Review status: criteria provided, single submitter. Criteria: Invitae Variant Classification Sherloc (09022015). Collection method: clinical testing. Allele origin: germline.
Comment: This sequence change replaces threonine, which is neutral and polar, with alanine, which is neutral and non-polar, at codon 340 of the ACTN1 protein (p.Thr340Ala). This variant is not present in population databases (gnomAD no frequency). This variant has not been reported in the literature in individuals affected with ACTN1-related conditions. ClinVar contains an entry for this variant (Variation ID: 1684462). Invitae Evidence Modeling of protein sequence and biophysical properties (such as structural, functional, and spatial information, amino acid conservation, physicochemical variation, residue mobility, and thermodynamic stability) has been performed for this missense variant. However, the output from this modeling did not meet the statistical confidence thresholds required to predict the impact of this variant on ACTN1 protein function. In summary, the available evidence is currently insufficient to determine the role of this variant in disease. Therefore, it has been classified as a Variant of Uncertain Significance.

Fulgent Genetics
Classification: Uncertain significance for Platelet-type bleeding disorder 15. Last evaluated: 2021-08-10. Review status: criteria provided, single submitter. Criteria: ACMG Guidelines, 2015. Collection method: clinical testing. Allele origin: unknown.

PreventionGenetics, part of Exact Sciences
Classification: Uncertain significance for ACTN1-related condition. Last evaluated: 2023-11-01. Review status: no assertion criteria provided. Collection method: clinical testing. Allele origin: germline. Not counted in ClinVar's aggregate classification.
Comment: The ACTN1 c.1018A>G variant is predicted to result in the amino acid substitution p.Thr340Ala. To our knowledge, this variant has not been reported in the literature or in a large population database, indicating this variant is rare. At this time, the clinical significance of this variant is uncertain due to the absence of conclusive functional and genetic evidence.

ISTH-SSC Genomics in Thrombosis and Hemostasis, KU Leuven, Center for Molecular and Vascular Biology
Classification: Uncertain significance for Platelet-type bleeding disorder 15. Review status: no assertion criteria provided. Collection method: clinical testing. Allele origin: germline. Affected: yes. Not counted in ClinVar's aggregate classification.
Comment: Submitted to GoldVariant by Juliana Perez Botero from Versiti Diagnostic Laboratories, USA

NM_001130004.2(ACTN1):c.1018A>G (p.Thr340Ala)

Gene: ACTN1 (actinin alpha 1; minus strand). Cytogenetic location: 14q24.1.
Variant type: single nucleotide variant.
Coding change: c.1018A>G on transcript NM_001130004.2 (MANE Select); coding-DNA position 1018, A replaced by G.
Protein change: p.Thr340Ala; replaces threonine 340 with alanine.
Molecular consequence: missense variant.
Genome position (GRCh38, 1-based): chr14:68,892,121, T>C on the plus strand (A>G on the coding strand, the complement: ACTN1 is on the minus strand). VCF-style: chr14-68892121-T-C. GRCh37 (hg19) VCF-style: chr14-69358838-T-C.
Other names: c.1018A>G, p.Thr340Ala (NM_001102.4, NM_001130005.2); short protein forms T340A.
Identifiers: ClinVar variation 1684462 (VCV001684462.5), dbSNP rs2140158660, ClinGen allele CA390188337.